The following is an entry in ClinVar:

NM_182914.3(SYNE2):c.18389+15C>G

Gene: SYNE2 (spectrin repeat containing nuclear envelope protein 2; plus strand). Cytogenetic location: 14q23.2.
Variant type: single nucleotide variant.
Coding change: c.18389+15C>G on transcript NM_182914.3 (MANE Select); 15 bases into the intron after coding-DNA position 18389, C replaced by G.
Molecular consequence: intron variant.
Genome position (GRCh38, 1-based): chr14:64,208,960, C>G. VCF-style: chr14-64208960-C-G. GRCh37 (hg19) VCF-style: chr14-64675678-C-G.
Other names: c.18389+15C>G (NM_015180.6).
Identifiers: ClinVar variation 2130057 (VCV002130057.4), dbSNP rs756207775, ClinGen allele CA2580088333.
Genomic context (GRCh38, chr14:64,208,960, plus strand): 5'-GACGCTGGAGGAACATTTGTGCCATGTCCATGGAGCGGCGCATGAAGTAAGAACTAAGCT[C>G]CCCCAAATGCCTTCAGCGTGGTCAGCCGAACTCAATACACCCTTCTGACCTCATTCACAG-3'

ClinVar aggregate classification (germline): Uncertain significance (1 of 4 stars; one submission).

Conditions:
Emery-Dreifuss muscular dystrophy 5, autosomal dominant (EDMD5). Also called: EMERY-DREIFUSS MUSCULAR DYSTROPHY 5. Identifiers: Orphanet 261, MedGen C2751805, MONDO:0013072, OMIM 612999.

Allele frequency attached by ClinVar (database versions not stated): gnomAD exomes below 0.00001.
gnomAD v4.1: 5 of 1,612,658 alleles (0.00031%); highest among the groups gnomAD compares: Non-Finnish European, 0.00042%; no homozygotes.

Submission:

Labcorp Genetics (formerly Invitae), Labcorp
Classification: Uncertain significance for Emery-Dreifuss muscular dystrophy 5, autosomal dominant. Last evaluated: 2022-04-24. Review status: criteria provided, single submitter. Criteria: Invitae Variant Classification Sherloc (09022015). Collection method: clinical testing. Allele origin: germline.
Comment: In summary, the available evidence is currently insufficient to determine the role of this variant in disease. Therefore, it has been classified as a Variant of Uncertain Significance. Algorithms developed to predict the effect of sequence changes on RNA splicing suggest that this variant may create or strengthen a splice site. This variant has not been reported in the literature in individuals affected with SYNE2-related conditions. This variant is not present in population databases (gnomAD no frequency). This sequence change falls in intron 101 of the SYNE2 gene. It does not directly change the encoded amino acid sequence of the SYNE2 protein.